The following is an entry in ClinVar:

NM_005751.5(AKAP9):c.8437T>C (p.Ser2813Pro)

Gene: AKAP9 (A-kinase anchoring protein 9; plus strand). Cytogenetic location: 7q21.2.
Variant type: single nucleotide variant.
Coding change: c.8437T>C on transcript NM_005751.5 (MANE Select); coding-DNA position 8437, T replaced by C.
Protein change: p.Ser2813Pro; replaces serine 2813 with proline.
Molecular consequence: missense variant.
Genome position (GRCh38, 1-based): chr7:92,083,446, T>C. VCF-style: chr7-92083446-T-C. GRCh37 (hg19) VCF-style: chr7-91712760-T-C.
Other names: c.3082T>C, p.Ser1028Pro (NM_001379277.1); c.8413T>C, p.Ser2805Pro (NM_147185.3); short protein forms S1028P, S2813P, S2805P.
Identifiers: ClinVar variation 2162881 (VCV002162881.4), dbSNP rs1237675192, ClinGen allele CA368138986.

ClinVar aggregate classification (germline): Uncertain significance (1 of 4 stars; one submission).

Conditions:
Long QT syndrome (LQTS). Identifiers: MedGen C0023976, MeSH D008133, MONDO:0002442. Disease mechanism: loss of function. Inheritance: Various modes of inheritance.

Allele frequency attached by ClinVar (database versions not stated): gnomAD exomes below 0.00001.
gnomAD v4.1: 2 of 1,614,002 alleles (0.00012%); highest among the groups gnomAD compares: Non-Finnish European, 0.00017%; no homozygotes.

Submission:

Labcorp Genetics (formerly Invitae), Labcorp
Classification: Uncertain significance for Long QT syndrome. Last evaluated: 2022-10-03. Review status: criteria provided, single submitter. Criteria: Invitae Variant Classification Sherloc (09022015). Collection method: clinical testing. Allele origin: germline.
Comment: In summary, the available evidence is currently insufficient to determine the role of this variant in disease. Therefore, it has been classified as a Variant of Uncertain Significance. Algorithms developed to predict the effect of missense changes on protein structure and function are either unavailable or do not agree on the potential impact of this missense change (SIFT: "Tolerated"; PolyPhen-2: "Possibly Damaging"; Align-GVGD: "Class C0"). This variant has not been reported in the literature in individuals affected with AKAP9-related conditions. This variant is present in population databases (no rsID available, gnomAD 0.0009%). This sequence change replaces serine, which is neutral and polar, with proline, which is neutral and non-polar, at codon 2813 of the AKAP9 protein (p.Ser2813Pro).